The following is an entry in ClinVar:

NM_001458.5(FLNC):c.2559del (p.Ala854fs)

Gene: FLNC (filamin C; plus strand). Cytogenetic location: 7q32.1.
Variant type: Deletion.
Coding change: c.2559del on transcript NM_001458.5 (MANE Select); coding-DNA position 2559, one base deleted (C; older notation c.2559delC).
Protein change: p.Ala854fs; shifts the reading frame from alanine 854.
Molecular consequence: frameshift variant.
Genome position (GRCh38, 1-based): chr7:128,843,237, C deleted; the last of 4 consecutive C bases (chr7:128,843,234-128,843,237); deleting any one gives the same sequence. VCF-style (leftmost placement, unchanged base first): chr7-128843233-TC-T. GRCh37 (hg19) VCF-style: chr7-128483287-TC-T.
Other names: c.2559del, p.Ala854fs (NM_001127487.2); short protein forms A854fs.
Identifiers: ClinVar variation 4819021 (VCV004819021.1).

ClinVar aggregate classification (germline): Pathogenic (1 of 4 stars; one submission).

Conditions:
Hypertrophic cardiomyopathy 26. Also called: Cardiomyopathy, familial hypertrophic, 26. Identifiers: Orphanet 75249, MedGen C4310749, MONDO:0014883, OMIM 617047.

Submission:

Victorian Clinical Genetics Services, Murdoch Childrens Research Institute
Classification: Pathogenic for Hypertrophic cardiomyopathy 26. Last evaluated: 2025-12-04. Review status: criteria provided, single submitter. Criteria: ACMG Guidelines, 2015. Collection method: clinical testing. Allele origin: germline. Affected: yes.
Comment: This variant is classified as Pathogenic. Evidence in support of pathogenic classification: Variant is predicted to cause nonsense-mediated decay (NMD) and loss of protein (premature termination codon is located at least 54 nucleotides upstream of the final exon-exon junction); Variant is absent from gnomAD (v2, v3 and v4); Other NMD-predicted variant(s) comparable to the one identified in this case have very strong previous evidence for pathogenicity (DECIPHER). Additional information: This variant is heterozygous; This gene is associated with autosomal dominant disease. Variants located throughout the gene that are predicted to result in nonsense-mediated decay (NMD) are enriched in dilated cardiomyopathy, whereas missense variants in the ROD2 domain are enriched in familial hypertrophic cardiomyopathy 26 and familial restrictive cardiomyopathy 5 (MIM#617047). Additionally, myofibrillar myopathy 5 (MIM#609524) is known to result from either missense variants in the ROD2 domain or truncating variants in the Ig-like domain 24, while missense variants in the actin-binding domain and NMD-predicted variants located in the Ig-like domain 15 and have been reported for distal myopathy 4 (MIM#614065) (PMID: 32112656); Loss of function and gain of function are known mechanisms of disease in this gene. Loss of function is the established mechanism of disease for variants in dilated cardiomyopathy (PMID: 32112656), familial hypertrophic cardiomyopathy 26 (MIM#617047), familial restrictive cardiomyopathy 5 (MIM#617047), familial arrhythmogenic right ventricular dysplasia (MIM#617047), and myofibrillar myopathy 5 (MIM#609524). In distal myopathy 4 (MIM#614065), NMD-predicted variants cause a loss of function, however missense variants have been shown to result in a toxic gain of function (PMID: 32112656); Inheritance information for this variant is not currently available in this individual.

Literature cited by the submitters: PubMed 32112656.